The following is an entry in ClinVar:

NM_005629.4(SLC6A8):c.1767+1_1767+2insA

Gene: SLC6A8 (solute carrier family 6 member 8; plus strand). Cytogenetic location: Xq28.
Variant type: Insertion.
Coding change: c.1767+1_1767+2insA on transcript NM_005629.4 (MANE Select); the canonical splice donor site of the intron after coding-DNA position 1767, A inserted.
Molecular consequence: splice donor variant.
Genome position: GRCh38 VCF-style: chrX-153694890-G-GA. GRCh37 (hg19) VCF-style: chrX-152960345-G-GA.
Other names: NM_001142805.2:c.1737+1_1737+2insA; c.1737+1_1737+2insA (NM_001142805.2); c.1422+1_1422+2insA (NM_001142806.1).
Identifiers: ClinVar variation 3775039 (VCV003775039.1).

ClinVar aggregate classification (germline): Likely pathogenic (3 of 4 stars; one submission).

Conditions:
Creatine transporter deficiency (CCDS1). Also called: CEREBRAL CREATINE DEFICIENCY SYNDROME 1; Creatine Transporter (CRTR) Deficiency; Mental retardation , X-linked with seizures, short stature and midface hypoplasia; Mental retardation , X-linked, with creatine transport deficiency; X-linked creatine transporter deficiency; X-linked creatine deficiency syndrome. Identifiers: Orphanet 52503, MedGen C1845862, MONDO:0010305, OMIM 300352.

Submission:

ClinGen Cerebral Creatine Deficiency Syndromes Variant Curation Expert Panel, ClinGen
Classification: Likely pathogenic for Creatine transporter deficiency. Last evaluated: 2025-01-07. Review status: reviewed by expert panel. Criteria: ClinGen_CCDS_ACMG_Specifications_SLC6A8_v1.1. Collection method: curation. Allele origin: germline. Inheritance: X-linked inheritance.
Comment: The NM_005629.4(SLC6A8):c.1767+1_1767+2insA variant disrupts the donor splice site of the final intron (intron 12) of SLC6A8. If exon 12 is skipped, this results in an in frame deletion of 57 amino acids. However, SpliceAI predicts possible use of a cryptic splice site 98 nucleotides upstream in the exon (score for donor gain = 0.58) which, if used, would result in a frameshift and loss of about 80 amino acids of the normal SLC6A8 protein. Without RNA studies, the impact is not known (PVS1_Moderate). The variant is absent in gnomAD v2.1.1. and v4.1.0. (PM2_Supporting). In summary, this variant meets the criteria to be classified as likely pathogenic for X-linked creatine transporter deficiency. SLC6A8-specific ACMG/AMP criteria applied, as specified by the ClinGen Cerebral creatine Deficiency Syndromes Variant Curation Expert Panel (Specifications Version 1.1.0): PP4_Strong, PVS1_Moderate, PM2_Supporting. (Classification approved by the ClinGen Cerebral Creatine Deficiencies Variant Curation Expert Panel, Jan 7, 2025)